The following is an entry in ClinVar:

ClinVar aggregate classification (germline): Conflicting classifications of pathogenicity. Review status: criteria provided, conflicting classifications (1 of 4 stars). 8 submissions from 8 submitters: Uncertain significance (2); Benign (1); Likely benign (4). 1 of the submissions does not count toward it. Last evaluated 2026-02-04.

Conditions:
POLD1-related polyposis and colorectal cancer syndrome (CRCS10). Also called: Colorectal cancer, susceptibility to, 10; Colorectal cancer 10; COLORECTAL CANCER, SUSCEPTIBILITY TO, ON CHROMOSOME 19q. Identifiers: Orphanet 220460, MedGen C2675481, MONDO:0012953, OMIM 612591.

Allele frequency attached by ClinVar (database versions not stated): TOPMed 0.00018; 1000 Genomes Project 30x 0.00031; 1000 Genomes Project 0.00040; ESP Exome Variant Server 0.00046; gnomAD 0.00072 and 0.00078; ExAC 0.00087.
gnomAD v4.1: 824 of 1,604,110 alleles (0.051%); highest among the groups gnomAD compares: Non-Finnish European, 0.033%; 4 homozygotes.

Submissions (8):

Labcorp Genetics (formerly Invitae), Labcorp
Classification: Benign for POLD1-related polyposis and colorectal cancer syndrome. Last evaluated: 2026-02-04. Review status: criteria provided, single submitter. Criteria: Invitae Variant Classification Sherloc (09022015). Collection method: clinical testing. Allele origin: germline.

Center for Genomic Medicine, Rigshospitalet, Copenhagen University Hospital
Classification: Uncertain significance. Last evaluated: 2025-12-29. Review status: criteria provided, single submitter. Criteria: ACMG Guidelines, 2015. Collection method: clinical testing. Allele origin: germline.

Blueprint Genetics
Classification: Likely benign. Last evaluated: 2024-11-28. Review status: criteria provided, single submitter. Criteria: ACMG Guidelines, 2015. Collection method: clinical testing. Allele origin: germline.

KCCC/NGS Laboratory, Kuwait Cancer Control Center
Classification: Likely benign for POLD1-related polyposis and colorectal cancer syndrome. Last evaluated: 2023-07-07. Review status: criteria provided, single submitter. Criteria: ACMG Guidelines, 2015. Collection method: clinical testing. Allele origin: germline. Affected: yes.

Institute for Clinical Genetics, University Hospital TU Dresden, University Hospital TU Dresden
Classification: Uncertain significance. Last evaluated: 2021-11-03. Review status: criteria provided, single submitter. Criteria: ACMG Guidelines, 2015. Collection method: clinical testing. Allele origin: germline.

PreventionGenetics, part of Exact Sciences
Classification: Likely benign. Last evaluated: 2017-07-27. Review status: criteria provided, single submitter. Criteria: ACMG Guidelines, 2015. Collection method: clinical testing. Allele origin: germline.

GeneDx
Classification: Likely benign. Last evaluated: 2017-07-17. Review status: criteria provided, single submitter. Criteria: GeneDx Variant Classification (06012015). Collection method: clinical testing. Allele origin: germline. Affected: yes.
Comment: This variant is considered likely benign or benign based on one or more of the following criteria: it is a conservative change, it occurs at a poorly conserved position in the protein, it is predicted to be benign by multiple in silico algorithms, and/or has population frequency not consistent with disease.

Counsyl
Classification: Likely benign for POLD1-related polyposis and colorectal cancer syndrome. Last evaluated: 2016-10-04. Review status: no assertion criteria provided. Collection method: clinical testing. Allele origin: unknown. Not counted in ClinVar's aggregate classification.

NM_002691.4(POLD1):c.2565-17G>A

Gene: POLD1 (DNA polymerase delta 1, catalytic subunit; plus strand). Cytogenetic location: 19q13.33.
Variant type: single nucleotide variant.
Coding change: c.2565-17G>A on transcript NM_002691.4 (MANE Select); 17 bases into the intron before coding-DNA position 2565, G replaced by A.
Molecular consequence: intron variant.
Genome position (GRCh38, 1-based): chr19:50,415,421, G>A. VCF-style: chr19-50415421-G-A. GRCh37 (hg19) VCF-style: chr19-50918678-G-A.
Other names: c.2643-17G>A (NM_001308632.1, LRG_785t2); c.2565-17G>A (LRG_785t1, NM_001256849.1).
Identifiers: ClinVar variation 371997 (VCV000371997.27), dbSNP rs200576676, ClinGen allele CA9596584.